The following is an entry in ClinVar:

ClinVar aggregate classification (germline): Benign. Review status: criteria provided, multiple submitters, no conflicts (2 of 4 stars). 3 submissions from 3 submitters: Benign (3). Last evaluated 2024-07-15.

Conditions:
Progressive myoclonic epilepsy type 3. Also called: EPILEPSY, PROGRESSIVE MYOCLONIC, 3, WITH OR WITHOUT INTRACELLULAR INCLUSIONS; CEROID LIPOFUSCINOSIS, NEURONAL, 14; EPILEPSY, PROGRESSIVE MYOCLONIC, 3, WITHOUT INTRACELLULAR INCLUSIONS; KCTD7-Related Progressive Myoclonic Epilepsy. Identifiers: Orphanet 263516, MedGen C2673257, MONDO:0012721, OMIM 611726.

Allele frequency attached by ClinVar (database versions not stated): 1000 Genomes Project 0.45387; 1000 Genomes Project 30x 0.46440; gnomAD exomes 0.47745; gnomAD 0.50490 and 0.51466; TOPMed 0.51545.
gnomAD v4.1: 473,759 of 985,032 alleles (48%); highest among the groups gnomAD compares: African/African-American, 66%; 115,574 homozygotes.

Submissions (3):

Unidad de Genómica Garrahan, Hospital de Pediatría Garrahan
Classification: Benign. Last evaluated: 2024-07-15. Review status: criteria provided, single submitter. Criteria: ACMG Guidelines, 2015. Collection method: clinical testing. Allele origin: germline. Affected: no. Observed: 62 variant alleles.
Comment: This variant is classified as Benign based on local population frequency. This variant was detected in 67% of patients studied in a panel designed for Epileptic and Developmental Encephalopathy and Progressive Myoclonus Epilepsy. Number of patients: 62. Only high quality variants are reported.

Illumina Laboratory Services, Illumina
Classification: Benign for Progressive myoclonic epilepsy type 3. Last evaluated: 2018-01-13. Review status: criteria provided, single submitter. Criteria: ICSL Variant Classification Criteria 13 December 2019. Collection method: clinical testing. Allele origin: germline.
Comment: This variant was observed in the ICSL laboratory as part of a predisposition screen in an ostensibly healthy population. It had not been previously curated by ICSL or reported in the Human Gene Mutation Database (HGMD: prior to June 1st, 2018), and was therefore a candidate for classification through an automated scoring system. Utilizing variant allele frequency, disease prevalence and penetrance estimates, and inheritance mode, an automated score was calculated to assess if this variant is too frequent to cause the disease. Based on the score and internal cut-off values, a variant classified as benign is not then subjected to further curation. The score for this variant resulted in a classification of benign for this disease.

Breakthrough Genomics
Classification: Benign. Review status: criteria provided, single submitter. Criteria: ACMG Guidelines, 2015. Collection method: not provided. Allele origin: germline. Inheritance: Autosomal recessive inheritance. Affected: yes.

NM_153033.5(KCTD7):c.*3033T>C

Gene: KCTD7 (potassium channel tetramerization domain containing 7; plus strand). Cytogenetic location: 7q11.21.
Variant type: single nucleotide variant.
Coding change: c.*3033T>C on transcript NM_153033.5 (MANE Select); 3033 bases downstream of the stop codon, T replaced by C.
Molecular consequence: 3 prime UTR variant.
Genome position (GRCh38, 1-based): chr7:66,642,265, T>C. VCF-style: chr7-66642265-T-C. GRCh37 (hg19) VCF-style: chr7-66107252-T-C.
Other names: c.*1871T>C (NM_001167961.2).
Identifiers: ClinVar variation 360625 (VCV000360625.8), dbSNP rs1860468, ClinGen allele CA10624201.